The following is an entry in ClinVar:

ClinVar aggregate classification (germline): Uncertain significance (1 of 4 stars; one submission).

Submission:

Labcorp Genetics (formerly Invitae), Labcorp
Classification: Uncertain significance. Last evaluated: 2024-11-18. Review status: criteria provided, single submitter. Criteria: Invitae Variant Classification Sherloc (09022015). Collection method: clinical testing. Allele origin: germline.
Comment: This sequence change replaces methionine, which is neutral and non-polar, with valine, which is neutral and non-polar, at codon 52 of the STAT4 protein (p.Met52Val). This variant is not present in population databases (gnomAD no frequency). This variant has not been reported in the literature in individuals affected with STAT4-related conditions. Invitae Evidence Modeling of protein sequence and biophysical properties (such as structural, functional, and spatial information, amino acid conservation, physicochemical variation, residue mobility, and thermodynamic stability) indicates that this missense variant is not expected to disrupt STAT4 protein function with a negative predictive value of 80%. In summary, the available evidence is currently insufficient to determine the role of this variant in disease. Therefore, it has been classified as a Variant of Uncertain Significance.

NM_003151.4(STAT4):c.154A>G (p.Met52Val)

Gene: STAT4 (signal transducer and activator of transcription 4; minus strand). Cytogenetic location: 2q32.3.
Variant type: single nucleotide variant.
Coding change: c.154A>G on transcript NM_003151.4 (MANE Select); coding-DNA position 154, A replaced by G.
Protein change: p.Met52Val; replaces methionine 52 with valine.
Molecular consequence: missense variant.
Genome position (GRCh38, 1-based): chr2:191,146,732, T>C on the plus strand (A>G on the coding strand, the complement: STAT4 is on the minus strand). VCF-style: chr2-191146732-T-C. GRCh37 (hg19) VCF-style: chr2-192011458-T-C.
Other names: c.154A>G, p.Met52Val (NM_001243835.2); short protein forms M52V.
Identifiers: ClinVar variation 3618604 (VCV003618604.2).